The following is an entry in ClinVar:

NM_006087.4(TUBB4A):c.1211A>T (p.Asp404Val)

Gene: TUBB4A (tubulin beta 4A class IVa; minus strand). Cytogenetic location: 19p13.3.
Variant type: single nucleotide variant.
Coding change: c.1211A>T on transcript NM_006087.4 (MANE Select); coding-DNA position 1211, A replaced by T.
Protein change: p.Asp404Val; replaces aspartic acid 404 with valine.
Molecular consequence: missense variant.
Genome position (GRCh38, 1-based): chr19:6,495,288, T>A on the plus strand (A>T on the coding strand, the complement: TUBB4A is on the minus strand). VCF-style: chr19-6495288-T-A. GRCh37 (hg19) VCF-style: chr19-6495299-T-A.
Other names: c.1364A>T, p.Asp455Val (NM_001289123.2); c.1346A>T, p.Asp449Val (NM_001289127.2); c.1211A>T, p.Asp404Val (NM_001289129.2); c.995A>T, p.Asp332Val (NM_001289130.2, NM_001289131.2); short protein forms D332V, D455V, D404V, D449V.
Identifiers: ClinVar variation 3673245 (VCV003673245.2).

ClinVar aggregate classification (germline): Uncertain significance (1 of 4 stars; one submission).

Conditions:
Leukodystrophy, hypomyelinating, 6. Also called: LEUKODYSTROPHY, HYPOMYELINATING, WITH ATROPHY OF THE BASAL GANGLIA AND CEREBELLUM; TUBB4A-Associated Leukodystrophy; Hypomyelination with Atrophy of Basal Ganglia and Cerebellum (H-ABC). Identifiers: Orphanet 139441, MedGen C2676244, MONDO:0012905, OMIM 612438.

Submission:

Labcorp Genetics (formerly Invitae), Labcorp
Classification: Uncertain significance for Leukodystrophy, hypomyelinating, 6. Last evaluated: 2024-03-29. Review status: criteria provided, single submitter. Criteria: Invitae Variant Classification Sherloc (09022015). Collection method: clinical testing. Allele origin: germline.
Comment: This sequence change replaces aspartic acid, which is acidic and polar, with valine, which is neutral and non-polar, at codon 404 of the TUBB4A protein (p.Asp404Val). This variant is not present in population databases (gnomAD no frequency). This variant has not been reported in the literature in individuals affected with TUBB4A-related conditions. Advanced modeling of protein sequence and biophysical properties (such as structural, functional, and spatial information, amino acid conservation, physicochemical variation, residue mobility, and thermodynamic stability) performed at Invitae indicates that this missense variant is expected to disrupt TUBB4A protein function with a positive predictive value of 80%. In summary, the available evidence is currently insufficient to determine the role of this variant in disease. Therefore, it has been classified as a Variant of Uncertain Significance.